The following is an entry in ClinVar:

ClinVar aggregate classification (germline): Likely benign. Review status: reviewed by expert panel (3 of 4 stars). 3 submissions from 3 submitters: Likely benign (1). 2 of the submissions do not count toward it. Last evaluated 2017-06-29.

Conditions:
Hereditary cancer-predisposing syndrome. Also called: Hereditary Cancer Syndrome; Neoplastic Syndromes, Hereditary; Hereditary neoplastic syndrome; Tumor predisposition. Identifiers: Orphanet 140162, MedGen C0027672, MeSH D009386, MONDO:0015356.
Hereditary breast ovarian cancer syndrome. Also called: Hereditary breast and ovarian cancer syndrome (HBOC); Breast and ovarian cancer; Hereditary breast and ovarian cancer syndrome; Hereditary breast and ovarian cancer; BRCA1- and BRCA2-Associated Hereditary Breast and Ovarian Cancer; Hereditary breast and/or ovarian cancer syndrome. Identifiers: Orphanet 145, MedGen C0677776, MeSH D061325, MONDO:0003582. Disease mechanism: loss of function.
Breast-ovarian cancer, familial, susceptibility to, 1 (BROVCA1). Also called: BRCA1 Hereditary Breast and Ovarian Cancer; OVARIAN CANCER, SUSCEPTIBILITY TO. Identifiers: Orphanet 145, MedGen C2676676, MONDO:0011450, OMIM 604370. Disease mechanism: loss of function.

Submissions (4):

Evidence-based Network for the Interpretation of Germline Mutant Alleles (ENIGMA)
Classification: Likely benign for Breast-ovarian cancer, familial, susceptibility to, 1. Last evaluated: 2017-06-29. Review status: reviewed by expert panel. Criteria: ENIGMA BRCA1/2 Classification Criteria (2017-06-29). Collection method: curation. Allele origin: germline.
Comment: Synonymous substitution variant, with low bioinformatic likelihood to result in a splicing aberration (Splicing prior probability 0.02).

Color Diagnostics, LLC DBA Color Health
Classification: Likely benign for Hereditary cancer-predisposing syndrome. Last evaluated: 2017-10-12. Review status: criteria provided, single submitter. Criteria: ACMG Guidelines, 2015. Collection method: clinical testing. Allele origin: germline. Not counted in ClinVar's aggregate classification.

Labcorp Genetics (formerly Invitae), Labcorp
Classification: Likely benign for Hereditary breast ovarian cancer syndrome. Last evaluated: 2016-01-12. Review status: criteria provided, single submitter. Criteria: Invitae Variant Classification Sherloc (09022015). Collection method: clinical testing. Allele origin: germline. Not counted in ClinVar's aggregate classification.

Brotman Baty Institute, University of Washington
No classification provided (evidence only). Condition: Breast-ovarian cancer, familial 1. Review status: no classification provided. Collection method: in vitro. Allele origin: not applicable. Functional consequence: functionally_normal. Not counted in ClinVar's aggregate classification.
ClinVar note: "not provided" was previously submitted as the classification for the variant. However, the classification appeared to be based only on an observation of functional data so it was converted to no classification on 2025-07-30.

NM_007294.4(BRCA1):c.5523T>C (p.Ser1841=)

Gene: BRCA1 (BRCA1 DNA repair associated; minus strand). Cytogenetic location: 17q21.31.
Variant type: single nucleotide variant.
Coding change: c.5523T>C on transcript NM_007294.4 (MANE Select); coding-DNA position 5523, T replaced by C.
Protein change: p.Ser1841=; no amino-acid change (serine 1841 retained).
Molecular consequence: synonymous variant. On other transcripts: 3 prime UTR variant (17).
Genome position (GRCh38, 1-based): chr17:43,045,747, A>G on the plus strand (T>C on the coding strand, the complement: BRCA1 is on the minus strand). VCF-style: chr17-43045747-A-G. GRCh37 (hg19) VCF-style: chr17-41197764-A-G.
Other names: c.5310T>C, p.Ser1770= (NM_001407571.1, NM_001407894.1, NM_001407895.1 and 12 more transcripts); c.5589T>C, p.Ser1863= (NM_001407581.1, NM_001407582.1); c.5586T>C, p.Ser1862= (NM_001407583.1, NM_001407585.1, NM_001407587.1 and 1 more transcripts); c.5583T>C, p.Ser1861= (NM_001407590.1, NM_001407591.1); c.5523T>C, p.Ser1841= (NM_001407593.1, NM_001407594.1, NM_001407596.1 and 5 more transcripts); c.5520T>C, p.Ser1840= (NM_001407610.1, NM_001407611.1, NM_001407612.1 and 14 more transcripts); c.5517T>C, p.Ser1839= (NM_001407627.1, NM_001407628.1, NM_001407629.1 and 13 more transcripts); c.5514T>C, p.Ser1838= (NM_001407644.1, NM_001407645.1); and 74 more.
Identifiers: ClinVar variation 240824 (VCV000240824.16), dbSNP rs878854960, ClinGen allele CA10583545.